The following is an entry in ClinVar:

NM_014845.6(FIG4):c.243A>G (p.Lys81=)

Gene: FIG4 (FIG4 phosphoinositide 5-phosphatase; plus strand). Cytogenetic location: 6q21.
Variant type: single nucleotide variant.
Coding change: c.243A>G on transcript NM_014845.6 (MANE Select); coding-DNA position 243, A replaced by G.
Protein change: p.Lys81=; no amino-acid change (lysine 81 retained).
Molecular consequence: synonymous variant.
Genome position (GRCh38, 1-based): chr6:109,716,522, A>G. VCF-style: chr6-109716522-A-G. GRCh37 (hg19) VCF-style: chr6-110037725-A-G.
Identifiers: ClinVar variation 355035 (VCV000355035.14), dbSNP rs200257799, ClinGen allele CA3955715.

ClinVar aggregate classification (germline): Conflicting classifications of pathogenicity. Review status: criteria provided, conflicting classifications (1 of 4 stars). 4 submissions from 3 submitters: Uncertain significance (2); Likely benign (1). 1 of the submissions does not count toward it. Last evaluated 2025-06-23.

Conditions:
FIG4-related disorder. Also called: FIG4-related condition; FIG4-related disorders.
Charcot-Marie-Tooth disease type 4. Also called: Charcot-Marie-Tooth disease, type IV; Charcot-Marie-Tooth, Type 4. Identifiers: Orphanet 64749, MedGen C4082197, MONDO:0018995.
Amyotrophic lateral sclerosis type 11 (ALS11). Identifiers: Orphanet 803, MedGen C2675491, MONDO:0012945, OMIM 612577.
Charcot-Marie-Tooth disease type 4J (CMT4J). Also called: Charcot-Marie-Tooth Neuropathy Type 4J; CHARCOT-MARIE-TOOTH DISEASE, AUTOSOMAL RECESSIVE, TYPE 4J; CHARCOT-MARIE-TOOTH DISEASE, DEMYELINATING, TYPE 4J. Identifiers: Orphanet 139515, MedGen C1970011, MONDO:0012640, OMIM 611228.

Allele frequency attached by ClinVar (database versions not stated): gnomAD 0.00003 and 0.00004; gnomAD exomes 0.00004 and 0.00002; 1000 Genomes Project 0.00020; 1000 Genomes Project 30x 0.00031; ExAC 0.00002; TOPMed 0.00002.

Submissions (4):

Labcorp Genetics (formerly Invitae), Labcorp
Classification: Likely benign for Charcot-Marie-Tooth disease type 4. Last evaluated: 2025-06-23. Review status: criteria provided, single submitter. Criteria: Invitae Variant Classification Sherloc (09022015). Collection method: clinical testing. Allele origin: germline.

Illumina Laboratory Services, Illumina
Classification: Uncertain significance for Amyotrophic lateral sclerosis type 11. Last evaluated: 2018-01-12. Review status: criteria provided, single submitter. Criteria: ICSL Variant Classification Criteria 13 December 2019. Collection method: clinical testing. Allele origin: germline.

Illumina Laboratory Services, Illumina
Classification: Uncertain significance for Charcot-Marie-Tooth disease type 4J. Last evaluated: 2018-01-12. Review status: criteria provided, single submitter. Criteria: ICSL Variant Classification Criteria 13 December 2019. Collection method: clinical testing. Allele origin: germline.

PreventionGenetics, part of Exact Sciences
Classification: Likely benign for FIG4-related condition. Last evaluated: 2022-08-23. Review status: no assertion criteria provided. Collection method: clinical testing. Allele origin: germline. Not counted in ClinVar's aggregate classification.
Comment: This variant is classified as likely benign based on ACMG/AMP sequence variant interpretation guidelines (Richards et al. 2015 PMID: 25741868, with internal and published modifications).